The following is an entry in ClinVar:

NM_007327.4(GRIN1):c.1923G>T (p.Met641Ile)

Gene: GRIN1 (glutamate ionotropic receptor NMDA type subunit 1; plus strand). Cytogenetic location: 9q34.3.
Variant type: single nucleotide variant.
Coding change: c.1923G>T on transcript NM_007327.4 (MANE Select); coding-DNA position 1923, G replaced by T.
Protein change: p.Met641Ile; replaces methionine 641 with isoleucine.
Molecular consequence: missense variant.
Genome position (GRCh38, 1-based): chr9:137,162,649, G>T. VCF-style: chr9-137162649-G-T. GRCh37 (hg19) VCF-style: chr9-140057101-G-T.
Other names: c.1923G>T, p.Met641Ile (NM_000832.7, NM_021569.4); c.1986G>T, p.Met662Ile (NM_001185090.2, NM_001185091.2, NM_001437330.1 and 1 more transcripts); short protein forms M641I, M662I.
Identifiers: ClinVar variation 4855977 (VCV004855977.1).

ClinVar aggregate classification (germline): Likely pathogenic (1 of 4 stars; one submission).

Conditions:
Neurodevelopmental disorder with or without hyperkinetic movements and seizures, autosomal dominant. Also called: Intellectual disability, autosomal dominant 8. Identifiers: MedGen C3280282, MONDO:0013655, OMIM 614254.

Submission:

3billion
Classification: Likely pathogenic for Neurodevelopmental disorder with or without hyperkinetic movements and seizures, autosomal dominant. Last evaluated: 2025-12-04. Review status: criteria provided, single submitter. Criteria: ACMG Guidelines, 2015. Collection method: clinical testing. Allele origin: germline. Affected: yes.
Comment: The variant is not observed in the gnomAD v4.1.0 dataset. Predicted Consequence/Location: The variant is located in a mutational hot spot and/or well-established functional domain in which established pathogenic variants have been reported. Missense variant. Missense changes are a common disease-causing mechanism. In silico tool predictions suggest damaging effect of the variant on gene or gene product [3Cnet: 0.99 (> 0.75, sensitivity 0.96 and precision 0.92)]. The different nucleotide change resulting in the same amino acid change has been previously reported to be associated with GRIN1-related disorder(ClinVar ID: VCV000403957 /PMID: 25864721). The variant has been previously reported as assumed (i.e. paternity and maternity not confirmed) de novo in at least one similarly affected unrelated individual (PMID: 27164704). Different missense changes at the same codon (p.Met641Leu, p.Met641Lys, p.Met641Thr, p.Met641Val) have been reported as pathogenic/likely pathogenic with strong evidence (ClinVar ID: VCV000828036, VCV001076783, VCV001700197, VCV003340376, VCV003901877 /PMID: 30355546, 34884460, 37645600 /3billion dataset). Therefore, this variant is classified as Likely pathogenic according to the recommendation of ACMG/AMP guideline.

Literature cited by the submitters: PubMed 27164704; PubMed 30355546; PubMed 25864721.